The following is an entry in ClinVar:

ClinVar aggregate classification (germline): Uncertain significance (1 of 4 stars; one submission).

Allele frequency attached by ClinVar (database versions not stated): gnomAD exomes below 0.00001.
gnomAD v4.1: 1 of 1,613,984 alleles (0.000062%); highest among the groups gnomAD compares: African/African-American, 0.0013%; no homozygotes.

Submission:

Labcorp Genetics (formerly Invitae), Labcorp
Classification: Uncertain significance. Last evaluated: 2022-06-26. Review status: criteria provided, single submitter. Criteria: Invitae Variant Classification Sherloc (09022015). Collection method: clinical testing. Allele origin: germline.
Comment: This variant has not been reported in the literature in individuals affected with MSH3-related conditions. In summary, the available evidence is currently insufficient to determine the role of this variant in disease. Therefore, it has been classified as a Variant of Uncertain Significance. Variants that disrupt the consensus splice site are a relatively common cause of aberrant splicing (PMID: 17576681, 9536098). Studies have shown that this variant is associated with altered splicing resulting in unknown protein product impact (Invitae). This variant is not present in population databases (gnomAD no frequency). This sequence change falls in intron 13 of the MSH3 gene. It does not directly change the encoded amino acid sequence of the MSH3 protein. It affects a nucleotide within the consensus splice site.

Literature cited by the submitters: PubMed 17576681; PubMed 9536098.

NM_002439.5(MSH3):c.1896+6T>C

Gene: MSH3 (mutS homolog 3; plus strand). Cytogenetic location: 5q14.1.
Variant type: single nucleotide variant.
Coding change: c.1896+6T>C on transcript NM_002439.5 (MANE Select); 6 bases into the intron after coding-DNA position 1896, T replaced by C.
Molecular consequence: intron variant.
Genome position (GRCh38, 1-based): chr5:80,761,684, T>C. VCF-style: chr5-80761684-T-C. GRCh37 (hg19) VCF-style: chr5-80057503-T-C.
Identifiers: ClinVar variation 2010741 (VCV002010741.4), dbSNP rs1239807248, ClinGen allele CA1558514423.